The following is an entry in ClinVar:

ClinVar aggregate classification (germline): Pathogenic. Review status: criteria provided, single submitter (1 of 4 stars). 3 submissions from 2 submitters: Pathogenic (1). 2 of the submissions do not count toward it. Last evaluated 2015-09-09.

Conditions:
Bosch-Boonstra-Schaaf optic atrophy syndrome (BBSOAS). Also called: NR2F1-Related Neurodevelopmental Disorder. Identifiers: Orphanet 401777, MedGen C3810363, MONDO:0014320, OMIM 615722.

Submissions (3):

Lupski Lab, Baylor-Hopkins CMG, Baylor College of Medicine
Classification: Pathogenic for Bosch-Boonstra-Schaaf optic atrophy syndrome. Last evaluated: 2015-09-09. Review status: criteria provided, single submitter. Criteria: Bosch et al. (EJHG 2015). Collection method: research. Allele origin: de novo. Inheritance: Autosomal dominant inheritance. Affected: yes. Observed: 1 variant allele.
Comment: This study shows that diverse genetic causes underlie CVI.

OMIM
Classification: Pathogenic for BOSCH-BOONSTRA-SCHAAF OPTIC ATROPHY SYNDROME. Last evaluated: 2014-02-06. Review status: no assertion criteria provided. Collection method: literature only. Allele origin: germline. Not counted in ClinVar's aggregate classification.

Lupski Lab, Baylor-Hopkins CMG, Baylor College of Medicine
Classification: Likely pathogenic for Bosch-Boonstra-Schaaf optic atrophy syndrome. Last evaluated: 2014-02-06. Review status: flagged submission. Criteria: Bosch et al. (AJHG 2014). Collection method: research. Allele origin: de novo. Inheritance: Autosomal dominant inheritance. Affected: yes. Observed: 1 variant allele, 1 heterozygote. Not counted in ClinVar's aggregate classification.
ClinVar note: Reason: This record appears to be redundant with a more recent record from the same submitter.
ClinVar note: Notes: SCV000258385 appears to be redundant with SCV000258432.

Literature cited by the submitters: PubMed 24462372 (cited by OMIM).

NM_005654.6(NR2F1):c.339C>A (p.Ser113Arg)

Genes: NR2F1 (nuclear receptor subfamily 2 group F member 1; plus strand), NR2F1-AS1 (NR2F1 regulatory antisense RNA 1; minus strand). Cytogenetic location: 5q15.
Variant type: single nucleotide variant.
Coding change: c.339C>A on transcript NM_005654.6 (MANE Select); coding-DNA position 339, C replaced by A.
Protein change: p.Ser113Arg; replaces serine 113 with arginine.
Molecular consequence: missense variant.
Genome position (GRCh38, 1-based): chr5:93,585,362, C>A. VCF-style: chr5-93585362-C-A. GRCh37 (hg19) VCF-style: chr5-92921068-C-A.
Other names: short protein forms S113R.
Identifiers: ClinVar variation 126494 (VCV000126494.2), dbSNP rs587777275, ClinGen allele CA331788.